The following is an entry in ClinVar:

NM_000292.3(PHKA2):c.3644_3646dup (p.Leu1215_Thr1216insIle)

Genes: PHKA2 (phosphorylase kinase regulatory subunit alpha 2; minus strand), PHKA2-AS1 (PHKA2 antisense RNA 1; plus strand). Cytogenetic location: Xp22.13.
Variant type: Duplication.
Coding change: c.3644_3646dup on transcript NM_000292.3 (MANE Select); coding-DNA positions 3644 to 3646, 3 bases duplicated (TAA; older notation c.3644_3646dupTAA).
Protein change: p.Leu1215_Thr1216insIle.
Molecular consequence: inframe insertion.
Genome position (GRCh38, 1-based): chrX:18,893,547-18,893,549, TTA duplicated on the plus strand (TAA on the coding strand, the reverse complement: PHKA2 is on the minus strand). VCF-style (leftmost placement, unchanged base first): chrX-18893546-G-GTTA. GRCh37 (hg19) VCF-style: chrX-18911664-G-GTTA.
Identifiers: ClinVar variation 841087 (VCV000841087.1), dbSNP rs2047467477, ClinGen allele CA916083838.

ClinVar aggregate classification (germline): Likely pathogenic (1 of 4 stars; one submission).

Conditions:
Glycogen storage disease IXa1. Also called: GLYCOGEN STORAGE DISEASE VIII; GSD VIII; Glycogen storage disease 8; LIVER GLYCOGENOSIS, X-LINKED, TYPE I. Identifiers: Orphanet 264580, MedGen C3694531, MONDO:0010598, OMIM 306000.

Submission:

Labcorp Genetics (formerly Invitae), Labcorp
Classification: Likely pathogenic for Glycogen storage disease type VIII. Last evaluated: 2019-06-28. Review status: criteria provided, single submitter. Criteria: Invitae Variant Classification Sherloc (09022015). Collection method: clinical testing. Allele origin: germline.
Comment: This variant, c.3644_3646dup, results in the insertion of 1 amino acid(s) to the PHKA2 protein (p.Leu1215_Thr1216insIle), but otherwise preserves the integrity of the reading frame. This variant is not present in population databases (ExAC no frequency). Experimental studies and prediction algorithms are not available or were not evaluated for this variant, and the functional significance of the affected amino acid(s) is currently unknown. In summary, the currently available evidence indicates that the variant is pathogenic, but additional data are needed to prove that conclusively. Therefore, this variant has been classified as Likely Pathogenic.